The following is an entry in ClinVar:

NM_002519.3(NPAT):c.811T>A (p.Leu271Ile)

Gene: NPAT (nuclear protein, coactivator of histone transcription; minus strand). Cytogenetic location: 11q22.3.
Variant type: single nucleotide variant.
Coding change: c.811T>A on transcript NM_002519.3 (MANE Select); coding-DNA position 811, T replaced by A.
Protein change: p.Leu271Ile; replaces leucine 271 with isoleucine.
Molecular consequence: missense variant.
Genome position (GRCh38, 1-based): chr11:108,185,410, A>T on the plus strand (T>A on the coding strand, the complement: NPAT is on the minus strand). VCF-style: chr11-108185410-A-T. GRCh37 (hg19) VCF-style: chr11-108056137-A-T.
Other names: c.811T>A, p.Leu271Ile (NM_001321307.1); short protein forms L271I.
Identifiers: ClinVar variation 1762086 (VCV001762086.2), dbSNP rs2496738064, ClinGen allele CA382520601.
Genomic context (GRCh38, chr11:108,185,410, plus strand): 5'-TAGTTATGCAATTAGGCAAAAACAATTAGGCATTTTAAACATATATAGCTTACCTAGTTA[A>T]AAATTTATTTATGTTTTCTGCTAGCTTTTCTTGAAGAGATTTGTTGCTTAGTATTTTTTC-3'
Protein context (NP_002510.2, residues 261-281): EKLAENINKF[Leu271Ile]TSDNNIAQVP

ClinVar aggregate classification (germline): Uncertain significance (1 of 4 stars; one submission).

Submission:

Ambry Genetics
Classification: Uncertain significance. Last evaluated: 2021-09-15. Review status: criteria provided, single submitter. Criteria: Ambry Variant Classification Scheme 2023. Collection method: clinical testing. Allele origin: germline.
Comment: The p.L271I variant (also known as c.811T>A), located in coding exon 9 of the NPAT gene, results from a T to A substitution at nucleotide position 811. The leucine at codon 271 is replaced by isoleucine, an amino acid with highly similar properties. This amino acid position is conserved. In addition, this alteration is predicted to be tolerated by in silico analysis. Since supporting evidence is limited at this time, the clinical significance of this alteration remains unclear.